The following is an entry in ClinVar:

ClinVar aggregate classification (germline): Benign (1 of 4 stars; one submission).

Conditions:
Neurofibromatosis, type 2 (SWNV). Also called: SCHWANNOMATOSIS, VESTIBULAR; BILATERAL ACOUSTIC NEUROFIBROMATOSIS; NF2-Related Schwannomatosis. Identifiers: Orphanet 637, MedGen C0027832, MONDO:0007039, OMIM 101000. Disease mechanism: loss of function.

Allele frequency attached by ClinVar (database versions not stated): gnomAD exomes 0.00572; gnomAD 0.01589 and 0.01614; TOPMed 0.01715; 1000 Genomes Project 0.02097; 1000 Genomes Project 30x 0.02155.

Submission:

Illumina Laboratory Services, Illumina
Classification: Benign for Neurofibromatosis, type 2. Last evaluated: 2018-01-12. Review status: criteria provided, single submitter. Criteria: ICSL Variant Classification Criteria 13 December 2019. Collection method: clinical testing. Allele origin: germline.
Comment: This variant was observed in the ICSL laboratory as part of a predisposition screen in an ostensibly healthy population. It had not been previously curated by ICSL or reported in the Human Gene Mutation Database (HGMD: prior to June 1st, 2018), and was therefore a candidate for classification through an automated scoring system. Utilizing variant allele frequency, disease prevalence and penetrance estimates, and inheritance mode, an automated score was calculated to assess if this variant is too frequent to cause the disease. Based on the score and internal cut-off values, a variant classified as benign is not then subjected to further curation. The score for this variant resulted in a classification of benign for this disease.

NM_000268.4(NF2):c.*1640A>C

Gene: NF2 (NF2, moesin-ezrin-radixin like (MERLIN) tumor suppressor; plus strand). Cytogenetic location: 22q12.2.
Variant type: single nucleotide variant.
Coding change: c.*1640A>C on transcript NM_000268.4 (MANE Select); 1640 bases downstream of the stop codon, A replaced by C.
Molecular consequence: 3 prime UTR variant. On other transcripts: non-coding transcript variant (1).
Genome position (GRCh38, 1-based): chr22:29,696,442, A>C. VCF-style: chr22-29696442-A-C. GRCh37 (hg19) VCF-style: chr22-30092431-A-C.
Other names: c.*1700A>C (NM_016418.5, NM_181828.3, NM_181829.3 and 1 more transcripts); c.*1715A>C (NM_181832.3); c.*1640A>C (NM_181833.3).
Identifiers: ClinVar variation 341116 (VCV000341116.5), dbSNP rs138312881, ClinGen allele CA10654006.